The following is an entry in ClinVar:

NM_000059.4(BRCA2):c.426-339G>A

Gene: BRCA2 (BRCA2 DNA repair associated; plus strand). Cytogenetic location: 13q13.1.
Variant type: single nucleotide variant.
Coding change: c.426-339G>A on transcript NM_000059.4 (MANE Select); 339 bases into the intron before coding-DNA position 426, G replaced by A.
Molecular consequence: intron variant.
Genome position (GRCh38, 1-based): chr13:32,325,762, G>A. VCF-style: chr13-32325762-G-A. GRCh37 (hg19) VCF-style: chr13-32899899-G-A.
Other names: IVS 4-339G>A.
Identifiers: ClinVar variation 209649 (VCV000209649.1), dbSNP rs11571620, ClinGen allele CA276618.
Genomic context (GRCh38, chr13:32,325,762, plus strand): 5'-GGCTAATTTTTTGTATTTTTAGTAGAGACGGGGTTTCACCGTGTTAGCTAGGATGGTCTC[G>A]ATTTCCTGACCTCGTGATCCGCCCGCCTCAGCCTCCCAGACTGCTGGGATTACAGGCGTG-3'

ClinVar aggregate classification (germline): Benign (3 of 4 stars; one submission).

Conditions:
Breast-ovarian cancer, familial, susceptibility to, 2 (BROVCA2). Also called: BRCA2 Hereditary Breast and Ovarian Cancer. Identifiers: Orphanet 145, MedGen C2675520, MONDO:0012933, OMIM 612555. Disease mechanism: loss of function.

Allele frequency attached by ClinVar (database versions not stated): 1000 Genomes Project 0.00879; 1000 Genomes Project 30x 0.00968; gnomAD 0.01104 and 0.01194; TOPMed 0.01294.
gnomAD v4.1: 1,651 of 151,860 alleles (1.1%); highest among the groups gnomAD compares: African/African-American, 3.8%; 33 homozygotes.

Submission:

Evidence-based Network for the Interpretation of Germline Mutant Alleles (ENIGMA)
Classification: Benign for Breast-ovarian cancer, familial 2. Last evaluated: 2015-01-12. Review status: reviewed by expert panel. Criteria: ENIGMA BRCA1/2 Classification Criteria (2015). Collection method: curation. Allele origin: germline.
Comment: Class 1 not pathogenic based on frequency >1% in an outbred sampleset. Frequency 0.03049 (African), derived from 1000 genomes (2012-04-30).